The following is an entry in ClinVar:

ClinVar aggregate classification (germline): Pathogenic. Review status: criteria provided, multiple submitters, no conflicts (2 of 4 stars). 2 submissions from 2 submitters: Pathogenic (2). Last evaluated 2025-12-28.

Submissions (2):

Labcorp Genetics (formerly Invitae), Labcorp
Classification: Pathogenic. Last evaluated: 2025-12-28. Review status: criteria provided, single submitter. Criteria: Invitae Variant Classification Sherloc (09022015). Collection method: clinical testing. Allele origin: germline.
Comment: This sequence change creates a premature translational stop signal (p.Ser75Ilefs*6) in the FH gene. It is expected to result in an absent or disrupted protein product. Loss-of-function variants in FH are known to be pathogenic (PMID: 11865300, 21398687). This variant is not present in population databases (gnomAD no frequency). This variant has not been reported in the literature in individuals affected with FH-related conditions. ClinVar contains an entry for this variant (Variation ID: 503756). For these reasons, this variant has been classified as Pathogenic.

GeneDx
Classification: Pathogenic. Last evaluated: 2017-11-07. Review status: criteria provided, single submitter. Criteria: GeneDx Variant Classification (06012015). Collection method: clinical testing. Allele origin: germline. Affected: yes.
Comment: This duplication of one nucleotide in FH is denoted c.221dupG at the cDNA level and p.Ser75IlefsX6 (S75IfsX6) at the protein level. The normal sequence, with the base that is duplicated in brackets, is GTGA[dupG]ATCT. The duplication causes a frameshift which changes a Serine to an Isoleucine at codon 75, and creates a premature stop codon at position 6 of the new reading frame. Although this variant has not, to our knowledge, been reported in the literature, it is predicted to cause loss of normal protein function through either protein truncation or nonsense-mediated mRNA decay. We consider this variant to be pathogenic.

Literature cited by the submitters: PubMed 11865300 (cited by Labcorp Genetics (formerly Invitae), Labcorp); PubMed 21398687 (cited by Labcorp Genetics (formerly Invitae), Labcorp).

NM_000143.4(FH):c.221dup (p.Ser75fs)

Gene: FH (fumarate hydratase; minus strand). Cytogenetic location: 1q43.
Variant type: Duplication.
Coding change: c.221dup on transcript NM_000143.4 (MANE Select); coding-DNA position 221, one base duplicated (G; older notation c.221dupG).
Protein change: p.Ser75fs; shifts the reading frame from serine 75.
Molecular consequence: frameshift variant.
Genome position (GRCh38, 1-based): chr1:241,517,228, C duplicated on the plus strand (G on the coding strand, the reverse complement: FH is on the minus strand). VCF-style (leftmost placement, unchanged base first): chr1-241517227-T-TC. GRCh37 (hg19) VCF-style: chr1-241680527-T-TC.
Other names: c.221dupG (NM_000143.3); short protein forms S75fs.
Identifiers: ClinVar variation 503756 (VCV000503756.3), dbSNP rs1553341951, ClinGen allele CA658795648.